The following is an entry in ClinVar:

NM_000256.3(MYBPC3):c.1783A>G (p.Ile595Val)

Gene: MYBPC3 (myosin binding protein C3; minus strand). Cytogenetic location: 11p11.2.
Variant type: single nucleotide variant.
Coding change: c.1783A>G on transcript NM_000256.3 (MANE Select); coding-DNA position 1783, A replaced by G.
Protein change: p.Ile595Val; replaces isoleucine 595 with valine.
Molecular consequence: missense variant.
Genome position (GRCh38, 1-based): chr11:47,341,998, T>C on the plus strand (A>G on the coding strand, the complement: MYBPC3 is on the minus strand). VCF-style: chr11-47341998-T-C. GRCh37 (hg19) VCF-style: chr11-47363549-T-C.
Other names: p.I595V:ATC>GTC; c.1783A>G, p.Ile595Val (LRG_386t1); short protein forms I595V.
Identifiers: ClinVar variation 180948 (VCV000180948.13), dbSNP rs730880550, ClinGen allele CA011094.

ClinVar aggregate classification (germline): Uncertain significance. Review status: criteria provided, multiple submitters, no conflicts (2 of 4 stars). 5 submissions from 5 submitters: Uncertain significance (5). Last evaluated 2024-11-30.

Conditions:
Cardiovascular phenotype. Identifiers: MedGen CN230736.
Cardiomyopathy (CMYO). Also called: Cardiomyopathies. Identifiers: Orphanet 167848, MedGen C0878544, MONDO:0004994, HP:0001638. Inheritance: Various modes of inheritance.
Hypertrophic cardiomyopathy. Also called: HYPERTROPHIC MYOCARDIOPATHY. Identifiers: Orphanet 217569, MedGen C0007194, MeSH D002312, MONDO:0005045, HP:0001639.

Allele frequency attached by ClinVar (database versions not stated): TOPMed below 0.00001; gnomAD exomes 0.00001.
gnomAD v4.1: 12 of 1,566,304 alleles (0.00077%); highest among the groups gnomAD compares: Non-Finnish European, 0.001%; no homozygotes.

Submissions (5):

Labcorp Genetics (formerly Invitae), Labcorp
Classification: Uncertain significance for Hypertrophic cardiomyopathy. Last evaluated: 2024-11-30. Review status: criteria provided, single submitter. Criteria: Invitae Variant Classification Sherloc (09022015). Collection method: clinical testing. Allele origin: germline.
Comment: This sequence change replaces isoleucine, which is neutral and non-polar, with valine, which is neutral and non-polar, at codon 595 of the MYBPC3 protein (p.Ile595Val). This variant is not present in population databases (gnomAD no frequency). This missense change has been observed in individuals with hypertrophic cardiomyopathy and/or dilated cardiomyopathy (PMID: 30297972, 30847666, 33782553, 36788754). ClinVar contains an entry for this variant (Variation ID: 180948). An algorithm developed to predict the effect of missense changes on protein structure and function (PolyPhen-2) suggests that this variant is likely to be disruptive. In summary, the available evidence is currently insufficient to determine the role of this variant in disease. Therefore, it has been classified as a Variant of Uncertain Significance.

Color Diagnostics, LLC DBA Color Health
Classification: Uncertain significance for Cardiomyopathy. Last evaluated: 2024-01-29. Review status: criteria provided, single submitter. Criteria: ACMG Guidelines, 2015. Collection method: clinical testing. Allele origin: germline.
Comment: This missense variant replaces isoleucine with valine at codon 595 of the MYBPC3 protein. Computational prediction tools indicate that this variant has a neutral impact on protein structure and function. To our knowledge, functional studies have not been reported for this variant. This variant has been reported in at least three individuals affected with hypertrophic cardiomyopathy (PMID: 30297972, 29875424, 30847666, 32841044, 33782553). This variant has not been identified in the general population by the Genome Aggregation Database (gnomAD). The available evidence is insufficient to determine the role of this variant in disease conclusively. Therefore, this variant is classified as a Variant of Uncertain Significance.

Blueprint Genetics
Classification: Uncertain significance. Last evaluated: 2023-12-27. Review status: criteria provided, single submitter. Criteria: ACMG Guidelines, 2015. Collection method: clinical testing. Allele origin: germline.

Ambry Genetics
Classification: Uncertain significance for Cardiovascular phenotype. Last evaluated: 2022-10-18. Review status: criteria provided, single submitter. Criteria: Ambry Variant Classification Scheme 2023. Collection method: clinical testing. Allele origin: germline.
Comment: The p.I595V variant (also known as c.1783A>G), located in coding exon 18 of the MYBPC3 gene, results from an A to G substitution at nucleotide position 1783. The isoleucine at codon 595 is replaced by valine, an amino acid with highly similar properties. This variant was detected in hypertrophic cardiomyopathy and cardiomyopathy genetic testing cohorts; however, clinical details were sometimes limited, and additional cardiac variants were detected in some cases (Ho CY et al. Circulation, 2018 10;138:1387-1398; Mazzarotto F et al. Genet Med, 2019 02;21:284-292; van Lint FHM et al. Neth Heart J, 2019 Jun;27:304-309).This amino acid position is highly conserved in available vertebrate species. In addition, the in silico prediction for this alteration is inconclusive. Since supporting evidence is limited at this time, the clinical significance of this alteration remains unclear.

GeneDx
Classification: Uncertain significance. Last evaluated: 2019-12-17. Review status: criteria provided, single submitter. Criteria: GeneDx Variant Classification Process June 2021. Collection method: clinical testing. Allele origin: germline. Affected: yes.
Comment: Reported in association with HCM; however, no additional clinical information was provided (Ho et al., 2018); Not observed in large population cohorts (Lek et al., 2016); In silico analysis, which includes protein predictors and evolutionary conservation, supports that this variant does not alter protein structure/function; This variant is associated with the following publications: (PMID: 30297972, 28679633, 30847666)

Literature cited by the submitters: PubMed 30297972 (cited by 3 submitters); PubMed 30847666 (cited by 3 submitters); PubMed 33782553 (cited by Labcorp Genetics (formerly Invitae), Labcorp and Color Diagnostics, LLC DBA Color Health); PubMed 36788754 (cited by Labcorp Genetics (formerly Invitae), Labcorp); PubMed 29875424 (cited by Color Diagnostics, LLC DBA Color Health and Ambry Genetics); PubMed 32841044 (cited by Color Diagnostics, LLC DBA Color Health).